The following is an entry in ClinVar:

ClinVar aggregate classification (germline): Benign/Likely benign. Review status: criteria provided, multiple submitters, no conflicts (2 of 4 stars). 3 submissions from 3 submitters: Benign (1); Likely benign (1). 1 of the submissions does not count toward it. Last evaluated 2025-10-22.

Conditions:
HADH-related disorder. Also called: HADH-related condition.
Deficiency of 3-hydroxyacyl-CoA dehydrogenase. Also called: 3-hydroxyacyl-CoA dehydrogenase deficiency; HADH DEFICIENCY. Identifiers: Orphanet 309127, Orphanet 71212, MedGen C1291230, MONDO:0017715, OMIM 231530.
Hyperinsulinemic hypoglycemia. Also called: Hyperinsulinemic hypoglycemia (disease); Hyperinsulinemia hypoglycemia. Identifiers: Orphanet 443095, MedGen C1864903, MONDO:0005803, HP:0000825.

Allele frequency attached by ClinVar (database versions not stated): gnomAD exomes 0.00002 and 0.00003; ExAC 0.00004; gnomAD 0.00004; TOPMed 0.00006; ESP Exome Variant Server 0.00008.
gnomAD v4.1: 52 of 1,613,976 alleles (0.0032%); highest among the groups gnomAD compares: Admixed American, 0.012%; no homozygotes.

Submissions (3):

Labcorp Genetics (formerly Invitae), Labcorp
Classification: Likely benign for Deficiency of 3-hydroxyacyl-CoA dehydrogenase. Last evaluated: 2025-10-22. Review status: criteria provided, single submitter. Criteria: Invitae Variant Classification Sherloc (09022015). Collection method: clinical testing. Allele origin: germline.

Clinical Genomics, Uppaluri K&H Personalized Medicine Clinic
Classification: Benign for Hyperinsulinemic hypoglycemia. Review status: criteria provided, single submitter. Criteria: K & H Uppaluri Personalized Medicine Clinic Variant Classification & Assertion Criteria_Updated V.1. Collection method: research. Allele origin: unknown. Inheritance: Autosomal recessive inheritance.
Comment: Potent mutations in HADH gene are associated with congenital hyperinsulinism, which leads to recurrent hypoglycemia. The condition is exacerbated by stress, fasting or excessive dietary protein. May respond well to diazoxide. However, the role of this particular variant rs373153417 in congenital hyperinsulinism is yet to be ascertained.

PreventionGenetics, part of Exact Sciences
Classification: Likely benign for HADH-related condition. Last evaluated: 2020-10-02. Review status: no assertion criteria provided. Collection method: clinical testing. Allele origin: germline. Not counted in ClinVar's aggregate classification.
Comment: This variant is classified as likely benign based on ACMG/AMP sequence variant interpretation guidelines (Richards et al. 2015 PMID: 25741868, with internal and published modifications).

Literature cited by the submitters: PubMed 34547194 (cited by Clinical Genomics, Uppaluri K&H Personalized Medicine Clinic); PubMed 34055426 (cited by Clinical Genomics, Uppaluri K&H Personalized Medicine Clinic); PubMed 29280746 (cited by Clinical Genomics, Uppaluri K&H Personalized Medicine Clinic).

NM_005327.7(HADH):c.324C>T (p.Ser108=)

Gene: HADH (hydroxyacyl-CoA dehydrogenase; plus strand). Cytogenetic location: 4q25.
Variant type: single nucleotide variant.
Coding change: c.324C>T on transcript NM_005327.7 (MANE Select); coding-DNA position 324, C replaced by T.
Protein change: p.Ser108=; no amino-acid change (serine 108 retained).
Molecular consequence: synonymous variant.
Genome position (GRCh38, 1-based): chr4:108,014,493, C>T. VCF-style: chr4-108014493-C-T. GRCh37 (hg19) VCF-style: chr4-108935649-C-T.
Other names: c.324C>T, p.Ser108= (NM_001184705.4); c.336C>T, p.Ser112= (NM_001331027.2); c.324C>T (NM_001184705.2).
Identifiers: ClinVar variation 748873 (VCV000748873.11), dbSNP rs373153417, ClinGen allele CA3037431.
Genomic context (GRCh38, chr4:108,014,493, plus strand): 5'-CGGCGATGAATTTGTGGAGAAGACCCTGAGCACCATAGCGACCAGCACGGATGCAGCCTC[C>T]GTTGTCCACAGCACAGACTTGGTGGTGGAAGCCATCGTGGAGAATCTGAAGGTGAAAAAC-3'
Protein context (NP_005318.6, residues 98-118): STIATSTDAA[Ser108=]VVHSTDLVVE